The following is an entry in ClinVar:

NM_001378457.1(DMXL2):c.1740C>G (p.His580Gln)

Gene: DMXL2 (Dmx like 2; minus strand). Cytogenetic location: 15q21.2.
Variant type: single nucleotide variant.
Coding change: c.1740C>G on transcript NM_001378457.1 (MANE Select); coding-DNA position 1740, C replaced by G.
Protein change: p.His580Gln; replaces histidine 580 with glutamine.
Molecular consequence: missense variant. On other transcripts: non-coding transcript variant (2).
Genome position (GRCh38, 1-based): chr15:51,536,740, G>C on the plus strand (C>G on the coding strand, the complement: DMXL2 is on the minus strand). VCF-style: chr15-51536740-G-C. GRCh37 (hg19) VCF-style: chr15-51828937-G-C.
Other names: c.1740C>G, p.His580Gln (NM_001174116.3, NM_001174117.3, NM_001378458.1 and 6 more transcripts); c.1500C>G, p.His500Gln (NM_001378464.1); short protein forms H580Q, H500Q.
Identifiers: ClinVar variation 1998832 (VCV001998832.1), dbSNP rs2548607206, ClinGen allele CA392466717.

ClinVar aggregate classification (germline): Uncertain significance (1 of 4 stars; one submission).

Submission:

Labcorp Genetics (formerly Invitae), Labcorp
Classification: Uncertain significance. Last evaluated: 2022-05-25. Review status: criteria provided, single submitter. Criteria: Invitae Variant Classification Sherloc (09022015). Collection method: clinical testing. Allele origin: germline.
Comment: This sequence change replaces histidine, which is basic and polar, with glutamine, which is neutral and polar, at codon 580 of the DMXL2 protein (p.His580Gln). This variant is not present in population databases (gnomAD no frequency). This variant has not been reported in the literature in individuals affected with DMXL2-related conditions. Algorithms developed to predict the effect of missense changes on protein structure and function output the following: SIFT: "Tolerated"; PolyPhen-2: "Benign"; Align-GVGD: "Class C0". The glutamine amino acid residue is found in multiple mammalian species, which suggests that this missense change does not adversely affect protein function. In summary, the available evidence is currently insufficient to determine the role of this variant in disease. Therefore, it has been classified as a Variant of Uncertain Significance.